The following is an entry in ClinVar:

NM_001164508.2(NEB):c.6045_6048del (p.Ala2016fs)

Gene: NEB (nebulin; minus strand). Cytogenetic location: 2q23.3.
Variant type: Deletion.
Coding change: c.6045_6048del on transcript NM_001164508.2 (MANE Select); coding-DNA positions 6045 to 6048, 4 bases deleted (GGCA; older notation c.6045_6048delGGCA).
Protein change: p.Ala2016fs; shifts the reading frame from alanine 2016.
Molecular consequence: frameshift variant.
Genome position (GRCh38, 1-based): chr2:151,659,092-151,659,095, TGCC deleted on the plus strand (GGCA on the coding strand, the reverse complement: NEB is on the minus strand). VCF-style (leftmost placement, unchanged base first): chr2-151659091-TTGCC-T. GRCh37 (hg19) VCF-style: chr2-152515605-TTGCC-T.
Other names: c.6045_6048del, p.Ala2016fs (NM_001164507.2, NM_001271208.2, NM_004543.5); short protein forms A2016fs.
Identifiers: ClinVar variation 1724590 (VCV001724590.2), dbSNP rs2552254230, ClinGen allele CA2580064035.

ClinVar aggregate classification (germline): Likely pathogenic (1 of 4 stars; one submission).

Conditions:
Nemaline myopathy 2 (NEM2). Also called: Nemaline myopathy 2, autosomal recessive. Identifiers: MedGen C1850569, MONDO:0009725, OMIM 256030.

Submission:

Myriad Genetics, Inc.
Classification: Likely pathogenic for Nemaline myopathy 2. Last evaluated: 2022-02-20. Review status: criteria provided, single submitter. Criteria: Myriad Women's Health Autosomal Recessive and X-Linked Classification Criteria (2021). Collection method: clinical testing. Allele origin: unknown.
Comment: NM_001271208.1(NEB):c.6045_6048delGGCA(A2016Rfs*7) is expected to be pathogenic in the context of NEB-related nemaline myopathy. This variant is predicted to lead to an abnormal or absent protein product due to the creation of a premature termination codon in NEB, a gene where loss-of-function variants are known to be pathogenic. Please note: this variant was assessed in the context of healthy population screening.